The following is an entry in ClinVar:

NM_004706.4(ARHGEF1):c.2237C>T (p.Ser746Leu)

Gene: ARHGEF1 (Rho guanine nucleotide exchange factor 1; plus strand). Cytogenetic location: 19q13.2.
Variant type: single nucleotide variant.
Coding change: c.2237C>T on transcript NM_004706.4 (MANE Select); coding-DNA position 2237, C replaced by T.
Protein change: p.Ser746Leu; replaces serine 746 with leucine.
Molecular consequence: missense variant. On other transcripts: non-coding transcript variant (2).
Genome position (GRCh38, 1-based): chr19:41,905,024, C>T. VCF-style: chr19-41905024-C-T. GRCh37 (hg19) VCF-style: chr19-42409176-C-T.
Other names: c.2405C>T, p.Ser802Leu (NM_001396000.1); c.2138C>T, p.Ser713Leu (NM_001396002.1, NM_001396004.1, NM_198977.2); c.2237C>T, p.Ser746Leu (NM_001396003.1, NM_001396006.1); c.2282C>T, p.Ser761Leu (NM_199002.2); c.2282C>T (NM_199002.1); short protein forms S761L, S802L, S746L, S713L.
Identifiers: ClinVar variation 1985415 (VCV001985415.5), dbSNP rs138482475, ClinGen allele CA308593161.

ClinVar aggregate classification (germline): Uncertain significance. Review status: criteria provided, multiple submitters, no conflicts (2 of 4 stars). 2 submissions from 2 submitters: Uncertain significance (2). Last evaluated 2025-09-07.

Allele frequency attached by ClinVar (database versions not stated): TOPMed 0.00004; gnomAD 0.00005; ESP Exome Variant Server 0.00008.
gnomAD v4.1: 18 of 1,613,972 alleles (0.0011%); highest among the groups gnomAD compares: African/African-American, 0.016%; no homozygotes.

Submissions (2):

Labcorp Genetics (formerly Invitae), Labcorp
Classification: Uncertain significance. Last evaluated: 2025-09-07. Review status: criteria provided, single submitter. Criteria: Invitae Variant Classification Sherloc (09022015). Collection method: clinical testing. Allele origin: germline.
Comment: This sequence change replaces serine, which is neutral and polar, with leucine, which is neutral and non-polar, at codon 761 of the ARHGEF1 protein (p.Ser761Leu). This variant is present in population databases (rs138482475, gnomAD 0.02%). This variant has not been reported in the literature in individuals affected with ARHGEF1-related conditions. ClinVar contains an entry for this variant (Variation ID: 1985415). An algorithm developed to predict the effect of missense changes on protein structure and function (PolyPhen-2) suggests that this variant is likely to be tolerated. In summary, the available evidence is currently insufficient to determine the role of this variant in disease. Therefore, it has been classified as a Variant of Uncertain Significance.

Ambry Genetics
Classification: Uncertain significance. Last evaluated: 2025-08-30. Review status: criteria provided, single submitter. Criteria: Ambry Variant Classification Scheme 2023. Collection method: clinical testing. Allele origin: germline.